The following is an entry in ClinVar:

ClinVar aggregate classification (germline): Benign (0 of 4 stars; one submission).

Conditions:
IFNGR1-related disorder. Also called: IFNGR1-related condition.

Submission:

PreventionGenetics, part of Exact Sciences
Classification: Benign for IFNGR1-related condition. Last evaluated: 2024-08-14. Review status: no assertion criteria provided. Collection method: clinical testing. Allele origin: germline.
Comment: This variant is classified as benign based on ACMG/AMP sequence variant interpretation guidelines (Richards et al. 2015 PMID: 25741868, with internal and published modifications).

NM_000416.3(IFNGR1):c.85+3951_85+3953del

Gene: IFNGR1 (interferon gamma receptor 1; minus strand). Cytogenetic location: 6q23.3.
Variant type: Microsatellite.
Coding change: c.85+3951_85+3953del on transcript NM_000416.3 (MANE Select); bases 3951 to 3953 of the intron after coding-DNA position 85, 3 bases deleted (TCT; older notation c.85+3951_85+3953delTCT).
Molecular consequence: intron variant. On other transcripts: inframe deletion (2).
Genome position (GRCh38, 1-based): chr6:137,215,290-137,215,292, AGA deleted on the plus strand (TCT on the coding strand, the reverse complement: IFNGR1 is on the minus strand); deleting any 3 consecutive bases within chr6:137,215,290-137,215,295 gives the same sequence; the c. name uses the placement nearest the transcript's 3' end. VCF-style (leftmost placement, unchanged base first): chr6-137215289-GAGA-G. GRCh37 (hg19) VCF-style: chr6-137536426-GAGA-G.
Other names: c.27TCT[1], p.Leu11del (NM_001363526.1); c.-39+3380_-39+3382del (NM_001363527.1); c.30_32delTCT (NM_001363526.1); short protein forms L11del.
Identifiers: ClinVar variation 3352509 (VCV003352509.1).